The following is an entry in ClinVar:

NM_138694.4(PKHD1):c.7944T>A (p.Gly2648=)

Gene: PKHD1 (PKHD1 ciliary IPT domain containing fibrocystin/polyductin; minus strand). Cytogenetic location: 6p12.2.
Variant type: single nucleotide variant.
Coding change: c.7944T>A on transcript NM_138694.4 (MANE Select); coding-DNA position 7944, T replaced by A.
Protein change: p.Gly2648=; no amino-acid change (glycine 2648 retained).
Molecular consequence: synonymous variant.
Genome position (GRCh38, 1-based): chr6:51,847,938, A>T on the plus strand (T>A on the coding strand, the complement: PKHD1 is on the minus strand). VCF-style: chr6-51847938-A-T. GRCh37 (hg19) VCF-style: chr6-51712736-A-T.
Other names: c.7944T>A, p.Gly2648= (NM_170724.3).
Identifiers: ClinVar variation 4526048 (VCV004526048.1).

ClinVar aggregate classification (germline): Likely benign (1 of 4 stars; one submission).

Submission:

Women's Health and Genetics/Laboratory Corporation of America, LabCorp
Classification: Likely benign. Last evaluated: 2025-07-09. Review status: criteria provided, single submitter. Criteria: LabCorp Variant Classification Summary - May 2015. Collection method: clinical testing. Allele origin: germline.
Comment: Variant summary: PKHD1 c.7944T>A alters a non-conserved nucleotide resulting in a synonymous change. Consensus agreement among computation tools predict no significant impact on normal splicing. However, these predictions have yet to be confirmed by functional studies. The variant was absent in 251260 control chromosomes. The available data on variant occurrences in the general population are insufficient to allow any conclusion about variant significance. To our knowledge, no occurrence of c.7944T>A in individuals affected with Polycystic Kidney And Hepatic Disease and no experimental evidence demonstrating its impact on protein function have been reported. No submitters have cited clinical-significance assessments for this variant to ClinVar. Based on the evidence outlined above, the variant was classified as likely benign.